The following is an entry in ClinVar:

ClinVar aggregate classification (germline): Benign/Likely benign. Review status: criteria provided, multiple submitters, no conflicts (2 of 4 stars). 7 submissions from 7 submitters: Benign (6); Likely benign (1). Last evaluated 2026-02-04.

Conditions:
Aicardi-Goutieres syndrome 7 (AGS7). Identifiers: Orphanet 51, MedGen C3888244, MONDO:0014367, OMIM 615846.
Singleton-Merten syndrome 1 (SGMRT1). Also called: Widened medullary cavities of bone, aortic calcification, abnormal dentition, and muscular weakness; Syndrome of widened medullary cavities of the metacarpals and phalanges, aortic calcification and abnormal dentition. Identifiers: Orphanet 85191, MedGen C4225427, MONDO:0024535, OMIM 182250.

Allele frequency attached by ClinVar (database versions not stated): ExAC 0.08406; ESP Exome Variant Server 0.11602; TOPMed 0.15655; 1000 Genomes Project 0.16054; 1000 Genomes Project 30x 0.16521.
gnomAD v4.1: 68,838 of 1,612,322 alleles (4.3%); highest among the groups gnomAD compares: African/African-American, 32%; 7,793 homozygotes.

Submissions (7):

Labcorp Genetics (formerly Invitae), Labcorp
Classification: Benign for Aicardi-Goutieres syndrome 7; Singleton-Merten syndrome 1. Last evaluated: 2026-02-04. Review status: criteria provided, single submitter. Criteria: Invitae Variant Classification Sherloc (09022015). Collection method: clinical testing. Allele origin: germline.

Women's Health and Genetics/Laboratory Corporation of America, LabCorp
Classification: Benign. Last evaluated: 2026-01-21. Review status: criteria provided, single submitter. Criteria: LabCorp Variant Classification Summary - May 2015. Collection method: clinical testing. Allele origin: germline.

Blueprint Genetics
Classification: Likely benign. Last evaluated: 2024-11-26. Review status: criteria provided, single submitter. Criteria: ACMG Guidelines, 2015. Collection method: clinical testing. Allele origin: germline.

Unidad de Genómica Garrahan, Hospital de Pediatría Garrahan
Classification: Benign. Last evaluated: 2023-11-12. Review status: criteria provided, single submitter. Criteria: ACMG Guidelines, 2015. Collection method: clinical testing. Allele origin: germline. Affected: no. Observed: 47 variant alleles.
Comment: This variant is classified as Benign based on local population frequency. This variant was detected in 49% of patients studied by a panel of primary immunodeficiencies. Number of patients: 47. Only high quality variants are reported.

Mayo Clinic Laboratories, Mayo Clinic
Classification: Benign. Last evaluated: 2022-09-06. Review status: criteria provided, single submitter. Criteria: ACMG Guidelines, 2015. Collection method: clinical testing. Allele origin: germline. Observed: 86 variant alleles.

GeneDx
Classification: Benign. Last evaluated: 2021-04-03. Review status: criteria provided, single submitter. Criteria: GeneDx Variant Classification Process June 2021. Collection method: clinical testing. Allele origin: germline. Affected: yes.

Breakthrough Genomics
Classification: Benign. Review status: criteria provided, single submitter. Criteria: ACMG Guidelines, 2015. Collection method: not provided. Allele origin: germline. Inheritance: Autosomal recessive inheritance. Affected: yes.

NM_022168.4(IFIH1):c.1491G>C (p.Thr497=)

Gene: IFIH1 (interferon induced with helicase C domain 1; minus strand). Cytogenetic location: 2q24.2.
Variant type: single nucleotide variant.
Coding change: c.1491G>C on transcript NM_022168.4 (MANE Select); coding-DNA position 1491, G replaced by C.
Protein change: p.Thr497=; no amino-acid change (threonine 497 retained).
Molecular consequence: synonymous variant.
Genome position (GRCh38, 1-based): chr2:162,281,361, C>G on the plus strand (G>C on the coding strand, the complement: IFIH1 is on the minus strand). VCF-style: chr2-162281361-C-G. GRCh37 (hg19) VCF-style: chr2-163137871-C-G.
Other names: p.Thr497=.
Identifiers: ClinVar variation 1170344 (VCV001170344.19), dbSNP rs12479043, ClinGen allele CA1934516.